The following is an entry in ClinVar:

ClinVar aggregate classification (germline): Uncertain significance (1 of 4 stars; one submission).

Conditions:
Cohen syndrome (COH1). Also called: Cutis verticis gyrata, retinitis pigmentosa, and sensorineural deafness; PEPPER SYNDROME. Identifiers: Orphanet 193, MedGen C0265223, MONDO:0008999, OMIM 216550.

Submission:

Labcorp Genetics (formerly Invitae), Labcorp
Classification: Uncertain significance for Cohen syndrome. Last evaluated: 2024-07-19. Review status: criteria provided, single submitter. Criteria: Invitae Variant Classification Sherloc (09022015). Collection method: clinical testing. Allele origin: germline.
Comment: This sequence change replaces leucine, which is neutral and non-polar, with proline, which is neutral and non-polar, at codon 646 of the VPS13B protein (p.Leu646Pro). This variant is not present in population databases (gnomAD no frequency). This variant has not been reported in the literature in individuals affected with VPS13B-related conditions. Advanced modeling of protein sequence and biophysical properties (such as structural, functional, and spatial information, amino acid conservation, physicochemical variation, residue mobility, and thermodynamic stability) performed at Invitae indicates that this missense variant is expected to disrupt VPS13B protein function with a positive predictive value of 80%. In summary, the available evidence is currently insufficient to determine the role of this variant in disease. Therefore, it has been classified as a Variant of Uncertain Significance.

NM_152564.5(VPS13B):c.1937T>C (p.Leu646Pro)

Gene: VPS13B (vacuolar protein sorting 13 homolog B; plus strand). Cytogenetic location: 8q22.2.
Variant type: single nucleotide variant.
Coding change: c.1937T>C on transcript NM_152564.5 (MANE Select); coding-DNA position 1937, T replaced by C.
Protein change: p.Leu646Pro; replaces leucine 646 with proline.
Molecular consequence: missense variant.
Genome position (GRCh38, 1-based): chr8:99,147,934, T>C. VCF-style: chr8-99147934-T-C. GRCh37 (hg19) VCF-style: chr8-100160162-T-C.
Other names: c.1937T>C, p.Leu646Pro (NM_015243.3, NM_017890.5); short protein forms L646P.
Identifiers: ClinVar variation 3696756 (VCV003696756.2).